The following is an entry in ClinVar:

NM_022041.4(GAN):c.314T>C (p.Val105Ala)

Gene: GAN (gigaxonin; plus strand). Cytogenetic location: 16q23.2.
Variant type: single nucleotide variant.
Coding change: c.314T>C on transcript NM_022041.4 (MANE Select); coding-DNA position 314, T replaced by C.
Protein change: p.Val105Ala; replaces valine 105 with alanine.
Molecular consequence: missense variant. On other transcripts: 5 prime UTR variant (1).
Genome position (GRCh38, 1-based): chr16:81,354,436, T>C. VCF-style: chr16-81354436-T-C. GRCh37 (hg19) VCF-style: chr16-81388041-T-C.
Other names: c.-326T>C (NM_001377486.1); short protein forms V105A.
Identifiers: ClinVar variation 634516 (VCV000634516.5), dbSNP rs761334418, ClinGen allele CA396867323.
Genomic context (GRCh38, chr16:81,354,436, plus strand): 5'-AATATAAGATAATTATGCTACTTTTTTAGATCAGGCTAAATGAAGATACAATCCAAGATG[T>C]TGTTCAGGCAGCTGACCTGCTGCTACTGACGGACCTTAAAACCCTGTGCTGTGAGTTTTT-3'
Protein context (NP_071324.1, residues 95-115): IRLNEDTIQD[Val105Ala]VQAADLLLLT

ClinVar aggregate classification (germline): Uncertain significance. Review status: criteria provided, multiple submitters, no conflicts (2 of 4 stars). 2 submissions from 2 submitters: Uncertain significance (2). Last evaluated 2020-03-11.

Conditions:
Giant axonal neuropathy 1 (GAN1). Also called: GIANT AXONAL NEUROPATHY 1, AUTOSOMAL RECESSIVE; GAN-Related Neurodegeneration. Identifiers: Orphanet 643, MedGen C1850386, MONDO:0009749, OMIM 256850.

Submissions (2):

Kariminejad - Najmabadi Pathology & Genetics Center
Classification: Uncertain significance for Giant axonal neuropathy 1. Last evaluated: 2020-03-11. Review status: criteria provided, single submitter. Criteria: ACMG Guidelines, 2015. Collection method: clinical testing. Allele origin: germline. Inheritance: Autosomal recessive inheritance. Affected: yes.
Comment: PM2, PM3_Supporting, PP3

Genomic Research Center, Shahid Beheshti University of Medical Sciences
Classification: Uncertain significance for Giant axonal neuropathy. Last evaluated: 2019-01-01. Review status: criteria provided, single submitter. Criteria: ACMG Guidelines, 2015. Collection method: clinical testing. Allele origin: unknown. Affected: no. Observed: 1 variant allele.